The following is an entry in ClinVar:

ClinVar aggregate classification (germline): Uncertain significance (1 of 4 stars; one submission).

gnomAD v4.1: 1 of 1,614,196 alleles (0.000062%); highest among the groups gnomAD compares: African/African-American, 0.0013%; no homozygotes.

Submission:

CeGaT Center for Human Genetics Tuebingen
Classification: Uncertain significance. Last evaluated: 2025-11-01. Review status: criteria provided, single submitter. Criteria: CeGaT Center For Human Genetics Tuebingen Variant Classification Criteria Version 2. Collection method: clinical testing. Allele origin: germline. Affected: yes. Observed: 1 variant allele.
Comment: COL6A3: PM2, BP4

NM_004369.4(COL6A3):c.7151A>G (p.Lys2384Arg)

Gene: COL6A3 (collagen type VI alpha 3 chain; minus strand). Cytogenetic location: 2q37.3.
Variant type: single nucleotide variant.
Coding change: c.7151A>G on transcript NM_004369.4 (MANE Select); coding-DNA position 7151, A replaced by G.
Protein change: p.Lys2384Arg; replaces lysine 2384 with arginine.
Molecular consequence: missense variant.
Genome position (GRCh38, 1-based): chr2:237,345,069, T>C on the plus strand (A>G on the coding strand, the complement: COL6A3 is on the minus strand). VCF-style: chr2-237345069-T-C. GRCh37 (hg19) VCF-style: chr2-238253712-T-C.
Other names: c.5330A>G, p.Lys1777Arg (NM_057166.5); c.6533A>G, p.Lys2178Arg (NM_057167.4); short protein forms K1777R, K2178R, K2384R.
Identifiers: ClinVar variation 4535224 (VCV004535224.6).
Genomic context (GRCh38, chr2:237,345,069, plus strand): 5'-TCGAATGTAAAAATATGCATTGTGAGACAACAGAAAATCATGTACTTACGGCATTTATCT[T>C]TGATGCTTTGGATGAGGGCACATTGCTTTAAAAGAAAATAAAAGAATATGTAAAGAGAGC-3'
Protein context (NP_004360.2, residues 2374-2394): IDQCALIQSI[Lys2384Arg]DKCPCCYGPL